The following is an entry in ClinVar:

ClinVar aggregate classification (germline): Uncertain significance (1 of 4 stars; one submission).

Submission:

Ambry Genetics
Classification: Uncertain significance. Last evaluated: 2025-08-20. Review status: criteria provided, single submitter. Criteria: Ambry Variant Classification Scheme 2023. Collection method: clinical testing. Allele origin: germline.
Comment: The p.S221P variant (also known as c.661T>C), located in coding exon 4 of the ATRIP gene, results from a T to C substitution at nucleotide position 661. The serine at codon 221 is replaced by proline, an amino acid with similar properties. This amino acid position is conserved. In addition, this alteration is predicted to be tolerated by in silico analysis. Based on the available evidence, the clinical significance of this variant remains unclear.

NM_130384.3(ATRIP):c.661T>C (p.Ser221Pro)

Genes: ATRIP (ATR interacting protein; plus strand), ATRIP-TREX1 (ATRIP-TREX1 readthrough; plus strand). Cytogenetic location: 3p21.31.
Variant type: single nucleotide variant.
Coding change: c.661T>C on transcript NM_130384.3 (MANE Select); coding-DNA position 661, T replaced by C.
Protein change: p.Ser221Pro; replaces serine 221 with proline.
Molecular consequence: missense variant. On other transcripts: non-coding transcript variant (1).
Genome position (GRCh38, 1-based): chr3:48,454,408, T>C. VCF-style: chr3-48454408-T-C. GRCh37 (hg19) VCF-style: chr3-48495808-T-C.
Other names: c.280T>C, p.Ser94Pro (NM_001271022.2); c.382T>C, p.Ser128Pro (NM_001271023.2); c.661T>C, p.Ser221Pro (NM_032166.4); short protein forms S94P, S128P, S221P.
Identifiers: ClinVar variation 4182572 (VCV004182572.1).